The following is an entry in ClinVar:

ClinVar aggregate classification (germline): Benign/Likely benign. Review status: criteria provided, multiple submitters, no conflicts (2 of 4 stars). 2 submissions from 2 submitters: Benign (1); Likely benign (1). Last evaluated 2023-02-01.

Submissions (2):

CeGaT Center for Human Genetics Tuebingen
Classification: Likely benign. Last evaluated: 2023-02-01. Review status: criteria provided, single submitter. Criteria: CeGaT Center For Human Genetics Tuebingen Variant Classification Criteria Version 2. Collection method: clinical testing. Allele origin: germline. Affected: yes. Observed: 1 variant allele.
Comment: GRM5: BP4, BS2

Labcorp Genetics (formerly Invitae), Labcorp
Classification: Benign. Last evaluated: 2019-12-31. Review status: criteria provided, single submitter. Criteria: Invitae Variant Classification Sherloc (09022015). Collection method: clinical testing. Allele origin: germline.

NM_001143831.3(GRM5):c.1394+8_1394+9del

Gene: GRM5 (glutamate metabotropic receptor 5; minus strand). Cytogenetic location: 11q14.3.
Variant type: Microsatellite.
Coding change: c.1394+8_1394+9del on transcript NM_001143831.3 (MANE Select); bases 8 to 9 of the intron after coding-DNA position 1394, 2 bases deleted (GT; older notation c.1394+8_1394+9delGT).
Molecular consequence: intron variant.
Genome position (GRCh38, 1-based): chr11:88,604,709-88,604,710, AC deleted on the plus strand (GT on the coding strand, the reverse complement: GRM5 is on the minus strand); deleting any 2 consecutive bases within chr11:88,604,709-88,604,713 gives the same sequence; the c. name uses the placement nearest the transcript's 3' end. VCF-style (leftmost placement, unchanged base first): chr11-88604708-AAC-A. GRCh37 (hg19) VCF-style: chr11-88337876-AAC-A.
Other names: c.1394+8_1394+9delGT (NM_001143831.2); c.1394+8_1394+9del (NM_001384268.1, NM_000842.5).
Identifiers: ClinVar variation 718722 (VCV000718722.28), dbSNP rs376748672, ClinGen allele CA6220646.